The following is an entry in ClinVar:

NM_000264.5(PTCH1):c.2589G>T (p.Trp863Cys)

Gene: PTCH1 (patched 1; minus strand). Cytogenetic location: 9q22.32.
Variant type: single nucleotide variant.
Coding change: c.2589G>T on transcript NM_000264.5 (MANE Select); coding-DNA position 2589, G replaced by T.
Protein change: p.Trp863Cys; replaces tryptophan 863 with cysteine.
Molecular consequence: missense variant. On other transcripts: non-coding transcript variant (1).
Genome position (GRCh38, 1-based): chr9:95,461,970, C>A on the plus strand (G>T on the coding strand, the complement: PTCH1 is on the minus strand). VCF-style: chr9-95461970-C-A. GRCh37 (hg19) VCF-style: chr9-98224252-C-A.
Other names: c.2391G>T, p.Trp797Cys (NM_001083602.3); c.2586G>T, p.Trp862Cys (NM_001083603.3); c.2136G>T, p.Trp712Cys (NM_001083604.3, NM_001083605.3, NM_001083606.3 and 1 more transcripts); c.2433G>T, p.Trp811Cys (NM_001354918.2); short protein forms W797C, W863C, W712C, W811C, W862C.
Identifiers: ClinVar variation 969348 (VCV000969348.14), dbSNP rs1277861627, ClinGen allele CA374113527.

ClinVar aggregate classification (germline): Uncertain significance. Review status: criteria provided, multiple submitters, no conflicts (2 of 4 stars). 3 submissions from 3 submitters: Uncertain significance (3). Last evaluated 2025-09-24.

Conditions:
Hereditary cancer-predisposing syndrome. Also called: Hereditary neoplastic syndrome; Hereditary Cancer Syndrome; Tumor predisposition; Neoplastic Syndromes, Hereditary. Identifiers: Orphanet 140162, MedGen C0027672, MeSH D009386, MONDO:0015356.
Gorlin syndrome. Also called: Nevoid Basal Cell Carcinoma Syndrome; Basal cell nevus syndrome. Identifiers: Orphanet 377, MedGen C0004779, MONDO:0007187.

Allele frequency attached by ClinVar (database versions not stated): TOPMed 0.00001.

Submissions (3):

Labcorp Genetics (formerly Invitae), Labcorp
Classification: Uncertain significance for Gorlin syndrome. Last evaluated: 2025-09-24. Review status: criteria provided, single submitter. Criteria: Invitae Variant Classification Sherloc (09022015). Collection method: clinical testing. Allele origin: germline.
Comment: This sequence change replaces tryptophan, which is neutral and slightly polar, with cysteine, which is neutral and slightly polar, at codon 863 of the PTCH1 protein (p.Trp863Cys). This variant is not present in population databases (gnomAD no frequency). This variant has not been reported in the literature in individuals affected with PTCH1-related conditions. ClinVar contains an entry for this variant (Variation ID: 969348). Invitae Evidence Modeling of protein sequence and biophysical properties (such as structural, functional, and spatial information, amino acid conservation, physicochemical variation, residue mobility, and thermodynamic stability) has been performed for this missense variant. However, the output from this modeling did not meet the statistical confidence thresholds required to predict the impact of this variant on PTCH1 protein function. In summary, the available evidence is currently insufficient to determine the role of this variant in disease. Therefore, it has been classified as a Variant of Uncertain Significance.

Ambry Genetics
Classification: Uncertain significance for Hereditary cancer-predisposing syndrome. Last evaluated: 2024-07-09. Review status: criteria provided, single submitter. Criteria: Ambry Variant Classification Scheme 2023. Collection method: clinical testing. Allele origin: germline.
Comment: The p.W863C variant (also known as c.2589G>T), located in coding exon 16 of the PTCH1 gene, results from a G to T substitution at nucleotide position 2589. The tryptophan at codon 863 is replaced by cysteine, an amino acid with highly dissimilar properties. This amino acid position is highly conserved in available vertebrate species. In addition, this alteration is predicted to be deleterious by in silico analysis. Since supporting evidence is limited at this time, the clinical significance of this alteration remains unclear.

GeneDx
Classification: Uncertain significance. Last evaluated: 2024-04-02. Review status: criteria provided, single submitter. Criteria: GeneDx Variant Classification Process June 2021. Collection method: clinical testing. Allele origin: germline. Affected: yes.
Comment: Not observed at significant frequency in large population cohorts (gnomAD); In silico analysis supports that this missense variant has a deleterious effect on protein structure/function; Has not been previously published as pathogenic or benign to our knowledge; This variant is associated with the following publications: (PMID: 8906794)